The following is an entry in ClinVar:

ClinVar aggregate classification (germline): Benign. Review status: criteria provided, multiple submitters, no conflicts (2 of 4 stars). 7 submissions from 6 submitters: Benign (5). 2 of the submissions do not count toward it. Last evaluated 2026-02-04.

Conditions:
Achromatopsia 3 (ACHM3). Also called: PINGELAPESE BLINDNESS; TOTAL COLORBLINDNESS WITH MYOPIA; ROD MONOCHROMACY 1; ROD MONOCHROMATISM 1; ACHROMATOPSIA WITH MYOPIA. Identifiers: Orphanet 49382, MedGen C1849792, MONDO:0009875, OMIM 262300.
Achromatopsia. Also called: Rod monochromatism. Identifiers: Orphanet 49382, MedGen C0152200, MONDO:0018852, HP:0011516.
Severe early-childhood-onset retinal dystrophy (STGD1). Also called: Stargardt macular dystrophy; Juvenile onset macular degeneration; Stargardt disease 1; MACULAR DYSTROPHY WITH FLECKS, TYPE 1; STGD. Identifiers: Orphanet 364055, Orphanet 827, MedGen C1855465, MeSH D000080362, MONDO:0009549, OMIM 248200.

Allele frequency attached by ClinVar (database versions not stated): 1000 Genomes Project 0.00899; gnomAD exomes 0.00225; TOPMed 0.00976; gnomAD 0.00978; ESP Exome Variant Server 0.01092; ExAC 0.00255; 1000 Genomes Project 30x 0.00874.
gnomAD v4.1: 2,677 of 1,614,042 alleles (0.17%); highest among the groups gnomAD compares: African/African-American, 3.2%; 34 homozygotes.

Submissions (7):

Labcorp Genetics (formerly Invitae), Labcorp
Classification: Benign. Last evaluated: 2026-02-04. Review status: criteria provided, single submitter. Criteria: Invitae Variant Classification Sherloc (09022015). Collection method: clinical testing. Allele origin: germline.

Illumina Laboratory Services, Illumina
Classification: Benign for Severe early-childhood-onset retinal dystrophy. Last evaluated: 2017-04-28. Review status: criteria provided, single submitter. Criteria: ICSL Variant Classification Criteria 13 December 2019. Collection method: clinical testing. Allele origin: germline.
Comment: This variant was observed as part of a predisposition screen in an ostensibly healthy population. A literature search was performed for the gene, cDNA change, and amino acid change (where applicable). No publications were found based on this search. Allele frequency data from public databases was too high to be consistent with this variant causing disease. Therefore, this variant is classified as benign.

Illumina Laboratory Services, Illumina
Classification: Benign for Achromatopsia 3. Last evaluated: 2017-04-28. Review status: criteria provided, single submitter. Criteria: ICSL Variant Classification Criteria 13 December 2019. Collection method: clinical testing. Allele origin: germline.
Comment: the same text as in the submission from Illumina Laboratory Services, Illumina above.

Breakthrough Genomics
Classification: Benign. Review status: criteria provided, single submitter. Criteria: ACMG Guidelines, 2015. Collection method: not provided. Allele origin: germline. Inheritance: Autosomal recessive inheritance. Affected: yes.

PreventionGenetics, part of Exact Sciences
Classification: Benign. Review status: criteria provided, single submitter. Criteria: ACMG Guidelines, 2015. Collection method: clinical testing. Allele origin: germline.

Natera, Inc.
Classification: Benign for Achromatopsia. Last evaluated: 2020-01-06. Review status: no assertion criteria provided. Collection method: clinical testing. Allele origin: germline. Not counted in ClinVar's aggregate classification.

Molecular Genetics Laboratory, Institute for Ophthalmic Research
Classification: Uncertain significance for ACHM3. Last evaluated: 2017-03-27. Review status: no assertion criteria provided. Collection method: research. Allele origin: paternal. Affected: yes. Not counted in ClinVar's aggregate classification.

Literature cited by the submitters: PubMed 28795510 (cited by Molecular Genetics Laboratory, Institute for Ophthalmic Research).

NM_019098.5(CNGB3):c.1397T>C (p.Met466Thr)

Gene: CNGB3 (cyclic nucleotide gated channel subunit beta 3; minus strand). Cytogenetic location: 8q21.3.
Variant type: single nucleotide variant.
Coding change: c.1397T>C on transcript NM_019098.5 (MANE Select); coding-DNA position 1397, T replaced by C.
Protein change: p.Met466Thr; replaces methionine 466 with threonine.
Molecular consequence: missense variant.
Genome position (GRCh38, 1-based): chr8:86,629,002, A>G on the plus strand (T>C on the coding strand, the complement: CNGB3 is on the minus strand). VCF-style: chr8-86629002-A-G. GRCh37 (hg19) VCF-style: chr8-87641230-A-G.
Other names: short protein forms M466T.
Identifiers: ClinVar variation 261083 (VCV000261083.15), dbSNP rs35010099, ClinGen allele CA4800036.
Genomic context (GRCh38, chr8:86,629,002, plus strand): 5'-GTATATTCATACCAAGTCCGAACTCGCTTTTGCACAAGTTTAGGAATGGAGTAATTGTTC[A>G]TGTAGGCAATGGTGTCATCCATGCAGGCGCGGAAGTAGTTCTGATTGGCTGTAGCTGCTC-3'
Protein context (NP_061971.3, residues 456-476): RACMDDTIAY[Met466Thr]NNYSIPKLVQ